The following is an entry in ClinVar:

NM_014254.3(RXYLT1):c.515_519del (p.Ala172fs)

Gene: RXYLT1 (ribitol xylosyltransferase 1; plus strand). Cytogenetic location: 12q14.2.
Variant type: Deletion.
Coding change: c.515_519del on transcript NM_014254.3 (MANE Select); coding-DNA positions 515 to 519, 5 bases deleted (CAAAG; older notation c.515_519delCAAAG).
Protein change: p.Ala172fs; shifts the reading frame from alanine 172.
Molecular consequence: frameshift variant. On other transcripts: 5 prime UTR variant (1).
Genome position (GRCh38, 1-based): chr12:63,802,177-63,802,181, CAAAG deleted; deleting any 5 consecutive bases within chr12:63,802,173-63,802,181 gives the same sequence; the c. name uses the placement nearest the transcript's 3' end. VCF-style (leftmost placement, unchanged base first): chr12-63802172-AAAAGC-A. GRCh37 (hg19) VCF-style: chr12-64195952-AAAAGC-A.
Other names: c.-266_-262del (NM_001278237.2); short protein forms A172fs.
Identifiers: ClinVar variation 2806984 (VCV002806984.3), dbSNP rs1166587679, ClinGen allele CA605709593.

ClinVar aggregate classification (germline): Pathogenic (1 of 4 stars; one submission).

Submission:

Labcorp Genetics (formerly Invitae), Labcorp
Classification: Pathogenic. Last evaluated: 2024-02-17. Review status: criteria provided, single submitter. Criteria: Invitae Variant Classification Sherloc (09022015). Collection method: clinical testing. Allele origin: germline.
Comment: This sequence change creates a premature translational stop signal (p.Ala172Aspfs*31) in the RXYLT1 gene. It is expected to result in an absent or disrupted protein product. Loss-of-function variants in RXYLT1 are known to be pathogenic (PMID: 23217329, 23519211, 31742715). The frequency data for this variant in the population databases is considered unreliable, as metrics indicate poor data quality at this position in the gnomAD database. This variant has not been reported in the literature in individuals affected with RXYLT1-related conditions. For these reasons, this variant has been classified as Pathogenic.

Literature cited by the submitters: PubMed 23217329; PubMed 23519211; PubMed 31742715.